The following is an entry in ClinVar:

NM_000587.4(C7):c.897C>A (p.Tyr299Ter)

Gene: C7 (complement C7; plus strand). Cytogenetic location: 5p13.1.
Variant type: single nucleotide variant.
Coding change: c.897C>A on transcript NM_000587.4 (MANE Select); coding-DNA position 897, C replaced by A.
Protein change: p.Tyr299Ter; replaces tyrosine 299 with a stop codon.
Molecular consequence: nonsense.
Genome position (GRCh38, 1-based): chr5:40,947,760, C>A. VCF-style: chr5-40947760-C-A. GRCh37 (hg19) VCF-style: chr5-40947862-C-A.
Other names: short protein forms Y299*.
Identifiers: ClinVar variation 4806066 (VCV004806066.1).

ClinVar aggregate classification (germline): Pathogenic (1 of 4 stars; one submission).

gnomAD v4.1: 1 of 1,613,600 alleles (0.000062%); highest among the groups gnomAD compares: Non-Finnish European, 0.000085%; no homozygotes.

Submission:

Labcorp Genetics (formerly Invitae), Labcorp
Classification: Pathogenic. Last evaluated: 2025-10-18. Review status: criteria provided, single submitter. Criteria: Invitae Variant Classification Sherloc (09022015). Collection method: clinical testing. Allele origin: germline.
Comment: This sequence change creates a premature translational stop signal (p.Tyr299*) in the C7 gene. It is expected to result in an absent or disrupted protein product. Loss-of-function variants in C7 are known to be pathogenic (PMID: 9856499, 17407100). This variant is not present in population databases (gnomAD no frequency). This variant has not been reported in the literature in individuals affected with C7-related conditions. Algorithms developed to predict the effect of sequence changes on RNA splicing suggest that this variant may disrupt the consensus splice site. For these reasons, this variant has been classified as Pathogenic.

Literature cited by the submitters: PubMed 9856499; PubMed 17407100.